The following is an entry in ClinVar:

NM_000215.4(JAK3):c.3161T>C (p.Leu1054Pro)

Gene: JAK3 (Janus kinase 3; minus strand). Cytogenetic location: 19p13.11.
Variant type: single nucleotide variant.
Coding change: c.3161T>C on transcript NM_000215.4 (MANE Select); coding-DNA position 3161, T replaced by C.
Protein change: p.Leu1054Pro; replaces leucine 1054 with proline.
Molecular consequence: missense variant.
Genome position (GRCh38, 1-based): chr19:17,830,154, A>G on the plus strand (T>C on the coding strand, the complement: JAK3 is on the minus strand). VCF-style: chr19-17830154-A-G. GRCh37 (hg19) VCF-style: chr19-17940963-A-G.
Other names: short protein forms L1054P.
Identifiers: ClinVar variation 1718385 (VCV001718385.5), dbSNP rs2514543179, ClinGen allele CA404764056.
Genomic context (GRCh38, chr19:17,830,154, plus strand): 5'-CCTGCGGCGCTCACCTCAGCAGGGCAGGCAGGAGGCGCCGGCAGCCTCTGGCCCTCCTCC[A>G]GCAGTTCCAAGAGGCGGCAGAGGGCGGGGACATCCCGCTCACATCCCATCATCCGCAGGA-3'
Protein context (NP_000206.2, residues 1044-1064): VPALCRLLEL[Leu1054Pro]EEGQRLPAPP

ClinVar aggregate classification (germline): Uncertain significance (1 of 4 stars; one submission).

Conditions:
T-B+ severe combined immunodeficiency due to JAK3 deficiency. Also called: SCID, T CELL-NEGATIVE, B CELL-POSITIVE, NK CELL-NEGATIVE; SCID, autosomal recessive, T-negative/B-positive type. Identifiers: Orphanet 35078, MedGen C1833275, MONDO:0010938, OMIM 600802.

Allele frequency attached by ClinVar (database versions not stated): gnomAD exomes below 0.00001.
gnomAD v4.1: 1 of 1,596,150 alleles (0.000063%); highest among the groups gnomAD compares: Non-Finnish European, 0.000085%; no homozygotes.

Submission:

Labcorp Genetics (formerly Invitae), Labcorp
Classification: Uncertain significance for T-B+ severe combined immunodeficiency due to JAK3 deficiency. Last evaluated: 2022-08-30. Review status: criteria provided, single submitter. Criteria: Invitae Variant Classification Sherloc (09022015). Collection method: clinical testing. Allele origin: germline.
Comment: In summary, the available evidence is currently insufficient to determine the role of this variant in disease. Therefore, it has been classified as a Variant of Uncertain Significance. Advanced modeling of protein sequence and biophysical properties (such as structural, functional, and spatial information, amino acid conservation, physicochemical variation, residue mobility, and thermodynamic stability) performed at Invitae indicates that this missense variant is expected to disrupt JAK3 protein function. This missense change has been observed in individual(s) with JAK3-related conditions (Invitae). This variant is not present in population databases (gnomAD no frequency). This sequence change replaces leucine, which is neutral and non-polar, with proline, which is neutral and non-polar, at codon 1054 of the JAK3 protein (p.Leu1054Pro).